The following is an entry in ClinVar:

ClinVar aggregate classification (germline): Benign. Review status: criteria provided, multiple submitters, no conflicts (2 of 4 stars). 10 submissions from 9 submitters: Benign (8). 2 of the submissions do not count toward it. Last evaluated 2026-02-03.

Conditions:
Mandibuloacral dysplasia with type B lipodystrophy (MADB). Also called: LIPODYSTROPHY, TYPE B, ASSOCIATED WITH MANDIBULOACRAL DYSPLASIA. Identifiers: Orphanet 2457, Orphanet 90154, MedGen C1837756, MONDO:0012074, OMIM 608612.
Lethal tight skin contracture syndrome. Also called: FETAL HYPOKINESIA SEQUENCE DUE TO RESTRICTIVE DERMOPATHY; HYPERKERATOSIS-CONTRACTURE SYNDROME; Restrictive dermopathy; RESTRICTIVE DERMOPATHY, LETHAL. Identifiers: Orphanet 1662, MedGen C0406585, MONDO:0031213.

Allele frequency attached by ClinVar (database versions not stated): TOPMed 0.08330; ESP Exome Variant Server 0.06758; 1000 Genomes Project 30x 0.12399; gnomAD 0.07398 and 0.08017; ExAC 0.10582; gnomAD exomes 0.10790 and 0.08464; 1000 Genomes Project 0.12780.
gnomAD v4.1: 136,409 of 1,613,256 alleles (8.5%); highest among the groups gnomAD compares: East Asian, 24%; 7,390 homozygotes.

Submissions (10):

Labcorp Genetics (formerly Invitae), Labcorp
Classification: Benign. Last evaluated: 2026-02-03. Review status: criteria provided, single submitter. Criteria: Invitae Variant Classification Sherloc (09022015). Collection method: clinical testing. Allele origin: germline.

Mayo Clinic Laboratories, Mayo Clinic
Classification: Benign. Last evaluated: 2022-04-26. Review status: criteria provided, single submitter. Criteria: ACMG Guidelines, 2015. Collection method: clinical testing. Allele origin: germline. Observed: 31 variant alleles.

GeneDx
Classification: Benign. Last evaluated: 2019-11-18. Review status: criteria provided, single submitter. Criteria: GeneDx Variant Classification Process June 2021. Collection method: clinical testing. Allele origin: germline. Affected: yes.

Illumina Laboratory Services, Illumina
Classification: Benign for Mandibuloacral dysplasia with type B lipodystrophy. Last evaluated: 2018-01-12. Review status: criteria provided, single submitter. Criteria: ICSL Variant Classification Criteria 13 December 2019. Collection method: clinical testing. Allele origin: germline.
Comment: This variant was observed in the ICSL laboratory as part of a predisposition screen in an ostensibly healthy population. It had not been previously curated by ICSL or reported in the Human Gene Mutation Database (HGMD: prior to June 1st, 2018), and was therefore a candidate for classification through an automated scoring system. Utilizing variant allele frequency, disease prevalence and penetrance estimates, and inheritance mode, an automated score was calculated to assess if this variant is too frequent to cause the disease. Based on the score and internal cut-off values, a variant classified as benign is not then subjected to further curation. The score for this variant resulted in a classification of benign for this disease.

Illumina Laboratory Services, Illumina
Classification: Benign for Restrictive dermopathy 1. Last evaluated: 2018-01-12. Review status: criteria provided, single submitter. Criteria: ICSL Variant Classification Criteria 13 December 2019. Collection method: clinical testing. Allele origin: germline.
Comment: the same text as in the submission from Illumina Laboratory Services, Illumina above.

Eurofins Ntd Llc (ga)
Classification: Benign. Last evaluated: 2013-07-23. Review status: criteria provided, single submitter. Criteria: EGL Classification Definitions 2015. Collection method: clinical testing. Allele origin: germline. Observed: 3 variant alleles, 2 heterozygotes, 1 homozygote.

Breakthrough Genomics
Classification: Benign. Review status: criteria provided, single submitter. Criteria: ACMG Guidelines, 2015. Collection method: not provided. Allele origin: germline. Inheritance: Autosomal recessive inheritance. Affected: yes.

PreventionGenetics, part of Exact Sciences
Classification: Benign. Review status: criteria provided, single submitter. Criteria: ACMG Guidelines, 2015. Collection method: clinical testing. Allele origin: germline.

Genetic Services Laboratory, University of Chicago
Classification: Likely benign for AllHighlyPenetrant. Review status: no assertion criteria provided. Collection method: clinical testing. Allele origin: germline. Inheritance: Autosomal recessive inheritance. Not counted in ClinVar's aggregate classification.
Comment: Likely benign based on allele frequency in 1000 Genomes Project or ESP global frequency and its presence in a patient with a rare or unrelated disease phenotype. NOT Sanger confirmed.

ZMPSTE24 homepage - Leiden Muscular Dystrophy pages
No classification provided. Review status: no classification provided. Collection method: not provided. Allele origin: germline. Not counted in ClinVar's aggregate classification.
Comment: unknown functional consequence

NM_005857.5(ZMPSTE24):c.651T>C (p.Asp217=)

Gene: ZMPSTE24 (zinc metallopeptidase STE24; plus strand). Cytogenetic location: 1p34.2.
Variant type: single nucleotide variant.
Coding change: c.651T>C on transcript NM_005857.5 (MANE Select); coding-DNA position 651, T replaced by C.
Protein change: p.Asp217=; no amino-acid change (aspartic acid 217 retained).
Molecular consequence: synonymous variant.
Genome position (GRCh38, 1-based): chr1:40,271,917, T>C. VCF-style: chr1-40271917-T-C. GRCh37 (hg19) VCF-style: chr1-40737589-T-C.
Other names: p.Asp217=; c.651T>C, p.(=) (LRG_212t1).
Identifiers: ClinVar variation 95316 (VCV000095316.23), dbSNP rs2076697, ClinGen allele CA148423.